The following is an entry in ClinVar:

NM_000492.4(CFTR):c.1408G>A (p.Val470Met)

Genes: CFTR (CF transmembrane conductance regulator; plus strand), CFTR-AS1 (CFTR antisense RNA 1; minus strand). Cytogenetic location: 7q31.2.
Variant type: single nucleotide variant.
Coding change: c.1408G>A on transcript NM_000492.4 (MANE Select); coding-DNA position 1408, G replaced by A.
Protein change: p.Val470Met; replaces valine 470 with methionine.
Molecular consequence: missense variant.
Genome position (GRCh38, 1-based): chr7:117,559,479, G>A. VCF-style: chr7-117559479-G-A. GRCh37 (hg19) VCF-style: chr7-117199533-G-A.
Other names: M470V; short protein forms V470M.
Identifiers: ClinVar variation 7130 (VCV000007130.62), dbSNP rs213950, ClinGen allele CA132747.

ClinVar aggregate classification (germline): Benign/Likely benign. Review status: criteria provided, multiple submitters, no conflicts (2 of 4 stars). 23 submissions from 22 submitters: Benign (10); Likely benign (4). 9 of the submissions do not count toward it. Last evaluated 2026-02-04.

Conditions:
CFTR-related disorder (CFTR-RD). Also called: CFTR-related condition; CFTR-related disorders. Identifiers: MedGen C5924204, MONDO:7770004.
Cystic fibrosis (CF). Also called: MUCOVISCIDOSIS. Identifiers: Orphanet 586, MedGen C0010674, MONDO:0009061, OMIM 219700. Disease mechanism: loss of function.

Allele frequency attached by ClinVar (database versions not stated): gnomAD exomes 0.47474 and 0.42619; 1000 Genomes Project 0.58207; 1000 Genomes Project 30x 0.59119; ExAC 0.48295; gnomAD 0.55951 and 0.56732; TOPMed 0.56447.
gnomAD v4.1: 701,593 of 1,597,726 alleles (44%); highest among the groups gnomAD compares: African/African-American, 87%; 164,304 homozygotes.

Submissions (23):

Labcorp Genetics (formerly Invitae), Labcorp
Classification: Benign for Cystic fibrosis. Last evaluated: 2026-02-04. Review status: criteria provided, single submitter. Criteria: Invitae Variant Classification Sherloc (09022015). Collection method: clinical testing. Allele origin: germline.

ARUP Laboratories, Molecular Genetics and Genomics, ARUP Laboratories
Classification: Benign. Last evaluated: 2025-07-31. Review status: criteria provided, single submitter. Criteria: ARUP Molecular Germline Variant Investigation Process 2024. Collection method: clinical testing. Allele origin: germline.

Blueprint Genetics
Classification: Likely benign. Last evaluated: 2024-11-27. Review status: criteria provided, single submitter. Criteria: ACMG Guidelines, 2015. Collection method: clinical testing. Allele origin: germline.

Mayo Clinic Laboratories, Mayo Clinic
Classification: Benign. Last evaluated: 2023-02-16. Review status: criteria provided, single submitter. Criteria: ACMG Guidelines, 2015. Collection method: clinical testing. Allele origin: germline. Observed: 4,171 variant alleles.

Genome-Nilou Lab
Classification: Benign for Cystic fibrosis. Last evaluated: 2021-07-01. Review status: criteria provided, single submitter. Criteria: ACMG Guidelines, 2015. Collection method: clinical testing. Allele origin: germline. Affected: no.

Women's Health and Genetics/Laboratory Corporation of America, LabCorp
Classification: Likely benign. Last evaluated: 2020-11-12. Review status: criteria provided, single submitter. Criteria: LabCorp Variant Classification Summary - May 2015. Collection method: clinical testing. Allele origin: germline.

Genome Diagnostics Laboratory, The Hospital for Sick Children
Classification: Benign for Cystic fibrosis. Last evaluated: 2020-04-03. Review status: criteria provided, single submitter. Criteria: ACMG Guidelines, 2015. Collection method: clinical testing. Allele origin: germline.

CFTR-France
Classification: Benign for cystic fibrosis. Last evaluated: 2018-01-29. Review status: criteria provided, single submitter. Criteria: Claustres M et al. (Hum Mutat 2017). Collection method: curation. Allele origin: germline. Affected: yes and no.
Comment: the variant does not result in CFTR-RD neither

GeneDx
Classification: Benign. Last evaluated: 2017-12-27. Review status: criteria provided, single submitter. Criteria: GeneDx Variant Classification (06012015). Collection method: clinical testing. Allele origin: germline. Affected: yes.
Comment: This variant is considered likely benign or benign based on one or more of the following criteria: it is a conservative change, it occurs at a poorly conserved position in the protein, it is predicted to be benign by multiple in silico algorithms, and/or has population frequency not consistent with disease.

Eurofins Ntd Llc (ga)
Classification: Benign. Last evaluated: 2017-09-01. Review status: criteria provided, single submitter. Criteria: EGL Classification Definitions 2015. Collection method: clinical testing. Allele origin: germline. Observed: 397 variant alleles, 189 heterozygotes, 207 homozygotes.

Illumina Laboratory Services, Illumina
Classification: Likely benign for CFTR-Related Disorders. Last evaluated: 2017-04-27. Review status: criteria provided, single submitter. Criteria: ICSL Variant Classification Criteria 13 December 2019. Collection method: clinical testing. Allele origin: germline.
Comment: This variant was observed as part of a predisposition screen in an ostensibly healthy population. A literature search was performed for the gene, cDNA change, and amino acid change (where applicable). No publications were found based on this search. Allele frequency data from public databases allowed determination this variant is unlikely to cause disease. Therefore, this variant is classified as likely benign.

Ambry Genetics
Classification: Benign for Cystic fibrosis. Last evaluated: 2015-03-17. Review status: criteria provided, single submitter. Criteria: Ambry Variant Classification Scheme 2023. Collection method: clinical testing. Allele origin: germline.

Laboratory for Molecular Medicine, Mass General Brigham Personalized Medicine
Classification: Benign. Last evaluated: 2008-01-15. Review status: criteria provided, single submitter. Criteria: LMM Criteria. Collection method: clinical testing. Allele origin: germline. Observed: 80 variant alleles.

Breakthrough Genomics
Classification: Likely benign. Review status: criteria provided, single submitter. Criteria: ACMG Guidelines, 2015. Collection method: not provided. Allele origin: germline. Inheritance: Autosomal recessive inheritance. Affected: yes.

Payam Genetics Center, General Welfare Department of North Khorasan Province
Classification: Benign for Cystic fibrosis. Last evaluated: 2023-03-01. Review status: no assertion criteria provided. Collection method: clinical testing. Allele origin: germline. Affected: no. Observed: 1 variant allele. Not counted in ClinVar's aggregate classification.

PreventionGenetics, part of Exact Sciences
Classification: Benign for CFTR-related condition. Last evaluated: 2021-11-19. Review status: no assertion criteria provided. Collection method: clinical testing. Allele origin: germline. Not counted in ClinVar's aggregate classification.
Comment: This variant is classified as benign based on ACMG/AMP sequence variant interpretation guidelines (Richards et al. 2015 PMID: 25741868, with internal and published modifications).

Genome Diagnostics Laboratory, The Hospital for Sick Children
Classification: Benign for CFTR-related disorders. Last evaluated: 2020-04-03. Review status: no assertion criteria provided. Collection method: clinical testing. Allele origin: germline. Not counted in ClinVar's aggregate classification.

Natera, Inc.
Classification: Benign for CFTR-related disorders. Last evaluated: 2017-03-28. Review status: no assertion criteria provided. Collection method: clinical testing. Allele origin: germline. Not counted in ClinVar's aggregate classification.

OMIM
Classification: Benign for CFTR POLYMORPHISM. Last evaluated: 1990-11-01. Review status: no assertion criteria provided. Collection method: literature only. Allele origin: germline. Not counted in ClinVar's aggregate classification.

Clinical Genetics DNA and cytogenetics Diagnostics Lab, Erasmus MC, Erasmus Medical Center
Classification: Benign. Review status: no assertion criteria provided. Collection method: clinical testing. Allele origin: germline. Affected: yes. Study: VKGL Data-share Consensus. Not counted in ClinVar's aggregate classification.

Diagnostic Laboratory, Department of Genetics, University Medical Center Groningen
Classification: Benign. Review status: no assertion criteria provided. Collection method: clinical testing. Allele origin: germline. Affected: yes. Study: VKGL Data-share Consensus. Not counted in ClinVar's aggregate classification.

Genetic Services Laboratory, University of Chicago
Classification: Likely benign for AllHighlyPenetrant. Review status: no assertion criteria provided. Collection method: clinical testing. Allele origin: germline. Inheritance: Autosomal recessive inheritance. Not counted in ClinVar's aggregate classification.
Comment: Likely benign based on allele frequency in 1000 Genomes Project or ESP global frequency and its presence in a patient with a rare or unrelated disease phenotype. NOT Sanger confirmed.

Joint Genome Diagnostic Labs from Nijmegen and Maastricht, Radboudumc and MUMC+
Classification: Benign. Review status: no assertion criteria provided. Collection method: clinical testing. Allele origin: germline. Affected: yes. Study: VKGL Data-share Consensus. Not counted in ClinVar's aggregate classification.

Literature cited by the submitters: PubMed 9435322 (cited by Women's Health and Genetics/Laboratory Corporation of America, LabCorp); PubMed 10812063 (cited by Women's Health and Genetics/Laboratory Corporation of America, LabCorp); PubMed 12952861 (cited by Women's Health and Genetics/Laboratory Corporation of America, LabCorp); PubMed 17378246 (cited by Women's Health and Genetics/Laboratory Corporation of America, LabCorp); PubMed 16784904 (cited by Women's Health and Genetics/Laboratory Corporation of America, LabCorp); PubMed 9678705 (cited by Women's Health and Genetics/Laboratory Corporation of America, LabCorp); PubMed 16778595 (cited by Women's Health and Genetics/Laboratory Corporation of America, LabCorp); PubMed 29997923 (cited by Women's Health and Genetics/Laboratory Corporation of America, LabCorp); PubMed 25033378 (cited by Women's Health and Genetics/Laboratory Corporation of America, LabCorp); PubMed 15716623 (cited by Women's Health and Genetics/Laboratory Corporation of America, LabCorp); PubMed 30805499 (cited by Women's Health and Genetics/Laboratory Corporation of America, LabCorp); PubMed 26358851 (cited by Women's Health and Genetics/Laboratory Corporation of America, LabCorp); PubMed 34964109 (cited by Payam Genetics Center, General Welfare Department of North Khorasan Province); PubMed 20301773 (cited by Payam Genetics Center, General Welfare Department of North Khorasan Province); PubMed 2236053 (cited by OMIM).